The following is an entry in ClinVar:

ClinVar aggregate classification (germline): Uncertain significance. Review status: criteria provided, multiple submitters, no conflicts (2 of 4 stars). 3 submissions from 3 submitters: Uncertain significance (3). Last evaluated 2025-09-23.

Conditions:
Aortic aneurysm, familial thoracic 7 (AAT7). Also called: AORTIC DISSECTION, FAMILIAL, WITH OR WITHOUT AORTIC ANEURYSM. Identifiers: MedGen C3151077, MONDO:0013418, OMIM 613780.
Familial thoracic aortic aneurysm and aortic dissection (TAAD). Also called: Thoracic aortic aneurysms and dissections. Identifiers: Orphanet 91387, MedGen C4707243, MONDO:0019625.

Allele frequency attached by ClinVar (database versions not stated): gnomAD exomes below 0.00001 and 0.00001; TOPMed below 0.00001; gnomAD 0.00001.
gnomAD v4.1: 15 of 1,613,954 alleles (0.00093%); highest among the groups gnomAD compares: Non-Finnish European, 0.0012%; no homozygotes.

Submissions (3):

Labcorp Genetics (formerly Invitae), Labcorp
Classification: Uncertain significance for Aortic aneurysm, familial thoracic 7. Last evaluated: 2025-09-23. Review status: criteria provided, single submitter. Criteria: Invitae Variant Classification Sherloc (09022015). Collection method: clinical testing. Allele origin: germline.
Comment: This sequence change replaces alanine, which is neutral and non-polar, with valine, which is neutral and non-polar, at codon 1160 of the MYLK protein (p.Ala1160Val). This variant is present in population databases (no rsID available, gnomAD 0.0009%). This variant has not been reported in the literature in individuals affected with MYLK-related conditions. ClinVar contains an entry for this variant (Variation ID: 520014). Invitae Evidence Modeling of protein sequence and biophysical properties (such as structural, functional, and spatial information, amino acid conservation, physicochemical variation, residue mobility, and thermodynamic stability) indicates that this missense variant is not expected to disrupt MYLK protein function with a negative predictive value of 80%. In summary, the available evidence is currently insufficient to determine the role of this variant in disease. Therefore, it has been classified as a Variant of Uncertain Significance.

GeneDx
Classification: Uncertain significance. Last evaluated: 2023-08-09. Review status: criteria provided, single submitter. Criteria: GeneDx Variant Classification Process June 2021. Collection method: clinical testing. Allele origin: germline. Affected: yes.
Comment: Not observed at significant frequency in large population cohorts (gnomAD); In silico analysis supports that this missense variant does not alter protein structure/function; Has not been previously published as pathogenic or benign to our knowledge

Ambry Genetics
Classification: Uncertain significance for Familial thoracic aortic aneurysm and aortic dissection. Last evaluated: 2017-08-02. Review status: criteria provided, single submitter. Criteria: Ambry Variant Classification Scheme 2023. Collection method: clinical testing. Allele origin: germline.
Comment: The p.A1160V variant (also known as c.3479C>T), located in coding exon 16 of the MYLK gene, results from a C to T substitution at nucleotide position 3479. The alanine at codon 1160 is replaced by valine, an amino acid with similar properties. This amino acid position is well conserved in available vertebrate species; however, valine is the reference amino acid in other vertebrate species. In addition, this alteration is predicted to be tolerated by in silico analysis. Since supporting evidence is limited at this time, the clinical significance of this alteration remains unclear.

NM_053025.4(MYLK):c.3479C>T (p.Ala1160Val)

Gene: MYLK (myosin light chain kinase; minus strand). Cytogenetic location: 3q21.1.
Variant type: single nucleotide variant.
Coding change: c.3479C>T on transcript NM_053025.4 (MANE Select); coding-DNA position 3479, C replaced by T.
Protein change: p.Ala1160Val; replaces alanine 1160 with valine.
Molecular consequence: missense variant.
Genome position (GRCh38, 1-based): chr3:123,692,821, G>A on the plus strand (C>T on the coding strand, the complement: MYLK is on the minus strand). VCF-style: chr3-123692821-G-A. GRCh37 (hg19) VCF-style: chr3-123411668-G-A.
Other names: c.2951C>T, p.Ala984Val (NM_001321309.2); c.3272C>T, p.Ala1091Val (NM_053026.4, NM_053028.4); c.3479C>T, p.Ala1160Val (NM_053027.4); short protein forms A1160V, A1091V, A984V.
Identifiers: ClinVar variation 520014 (VCV000520014.14), dbSNP rs1222534732, ClinGen allele CA354234981.